The following is an entry in ClinVar:

NM_000069.3(CACNA1S):c.3768C>T (p.Leu1256=)

Gene: CACNA1S (calcium voltage-gated channel subunit alpha1 S; minus strand). Cytogenetic location: 1q32.1.
Variant type: single nucleotide variant.
Coding change: c.3768C>T on transcript NM_000069.3 (MANE Select); coding-DNA position 3768, C replaced by T.
Protein change: p.Leu1256=; no amino-acid change (leucine 1256 retained).
Molecular consequence: synonymous variant.
Genome position (GRCh38, 1-based): chr1:201,053,486, G>A on the plus strand (C>T on the coding strand, the complement: CACNA1S is on the minus strand). VCF-style: chr1-201053486-G-A. GRCh37 (hg19) VCF-style: chr1-201022614-G-A.
Identifiers: ClinVar variation 3386319 (VCV003386319.1).

ClinVar aggregate classification (germline): Likely benign (1 of 4 stars; one submission).

Conditions:
Malignant hyperthermia, susceptibility to, 5 (MHS5). Also called: CACNA1S-Related Malignant Hyperthermia Susceptibility. Identifiers: Orphanet 423, MedGen C1866077, MONDO:0011163, OMIM 601887.

gnomAD v4.1: 1 of 1,614,176 alleles (0.000062%); highest among the groups gnomAD compares: Non-Finnish European, 0.000085%; no homozygotes.

Submission:

All of Us Research Program, National Institutes of Health
Classification: Likely benign for Malignant hyperthermia, susceptibility to, 5. Last evaluated: 2024-04-16. Review status: criteria provided, single submitter. Criteria: ACMG Guidelines, 2015. Collection method: clinical testing. Allele origin: germline. Inheritance: Autosomal dominant inheritance. Observed: 1 variant allele, 1 heterozygote.
Comment: This study involves interpretation of variants in research participants for the purpose of population health screening. Participant phenotype was not available at the time of variant classification. Additional details can be found in publication PMID: 35346344, PMCID: PMC8962531